The following is an entry in ClinVar:

NM_000492.4(CFTR):c.747T>A (p.Asp249Glu)

Gene: CFTR (CF transmembrane conductance regulator; plus strand). Cytogenetic location: 7q31.2.
Variant type: single nucleotide variant.
Coding change: c.747T>A on transcript NM_000492.4 (MANE Select); coding-DNA position 747, T replaced by A.
Protein change: p.Asp249Glu; replaces aspartic acid 249 with glutamic acid.
Molecular consequence: missense variant.
Genome position (GRCh38, 1-based): chr7:117,536,551, T>A. VCF-style: chr7-117536551-T-A. GRCh37 (hg19) VCF-style: chr7-117176605-T-A.
Other names: short protein forms D249E.
Identifiers: ClinVar variation 5034485 (VCV005034485.1).

ClinVar aggregate classification (germline): Uncertain significance (1 of 4 stars; one submission).

Conditions:
Cystic fibrosis (CF). Also called: MUCOVISCIDOSIS. Identifiers: Orphanet 586, MedGen C0010674, MONDO:0009061, OMIM 219700. Disease mechanism: loss of function.

Submission:

Ambry Genetics
Classification: Uncertain significance for Cystic fibrosis. Last evaluated: 2026-09-03. Review status: criteria provided, single submitter. Criteria: Ambry Variant Classification Scheme 2023. Collection method: clinical testing. Allele origin: germline.
Comment: The p.D249E variant (also known as c.747T>A), located in coding exon 7 of the CFTR gene, results from a T to A substitution at nucleotide position 747. The aspartic acid at codon 249 is replaced by glutamic acid, an amino acid with highly similar properties. This amino acid position is conserved. In addition, this alteration is predicted to be tolerated by in silico analysis. Based on the available evidence, the clinical significance of this variant remains unclear.